The following is an entry in ClinVar:

NM_001080.3(ALDH5A1):c.138_145del (p.Cys46fs)

Genes: ALDH5A1 (aldehyde dehydrogenase 5 family member A1; plus strand), GPLD1 (glycosylphosphatidylinositol specific phospholipase D1; minus strand), LOC129995978 (ATAC-STARR-seq lymphoblastoid silent region 16989; plus strand). Cytogenetic location: 6p22.3.
Variant type: Deletion.
Coding change: c.138_145del on transcript NM_001080.3 (MANE Select); coding-DNA positions 138 to 145, 8 bases deleted (CTACGCTG; older notation c.138_145delCTACGCTG).
Protein change: p.Cys46fs; shifts the reading frame from cysteine 46.
Molecular consequence: frameshift variant.
Genome position (GRCh38, 1-based): chr6:24,495,134-24,495,141, CTACGCTG deleted; deleting any 8 consecutive bases within chr6:24,495,129-24,495,141 gives the same sequence; the c. name uses the placement nearest the transcript's 3' end. VCF-style (leftmost placement, unchanged base first): chr6-24495128-CCGCTGCTA-C. GRCh37 (hg19) VCF-style: chr6-24495356-CCGCTGCTA-C.
Other names: c.138_145del, p.Cys46fs (NM_001368954.1, NM_170740.1); short protein forms C46fs.
Identifiers: ClinVar variation 3662528 (VCV003662528.2).

ClinVar aggregate classification (germline): Pathogenic (1 of 4 stars; one submission).

Conditions:
Succinate-semialdehyde dehydrogenase deficiency (SSADHD). Also called: Succinic Semialdehyde Dehydrogenase Deficiency; 4-HYDROXYBUTYRIC ACIDURIA; GABA METABOLIC DEFECT; SSADH DEFICIENCY. Identifiers: Orphanet 22, MedGen C0268631, MONDO:0010083, OMIM 271980.

Submission:

Labcorp Genetics (formerly Invitae), Labcorp
Classification: Pathogenic for Succinate-semialdehyde dehydrogenase deficiency. Last evaluated: 2024-08-15. Review status: criteria provided, single submitter. Criteria: Invitae Variant Classification Sherloc (09022015). Collection method: clinical testing. Allele origin: germline.
Comment: This sequence change creates a premature translational stop signal (p.Cys46Trpfs*87) in the ALDH5A1 gene. It is expected to result in an absent or disrupted protein product. Loss-of-function variants in ALDH5A1 are known to be pathogenic (PMID: 14635103). This variant is not present in population databases (gnomAD no frequency). This variant has not been reported in the literature in individuals affected with ALDH5A1-related conditions. For these reasons, this variant has been classified as Pathogenic.

Literature cited by the submitters: PubMed 14635103.